The following is an entry in ClinVar:

ClinVar aggregate classification (germline): Likely benign (1 of 4 stars; one submission).

Conditions:
GRIN2B-related disorder. Also called: GRIN2B-related condition.

gnomAD v4.1: 1 of 1,511,272 alleles (0.000066%); highest among the groups gnomAD compares: Non-Finnish European, 0.000092%; no homozygotes.

Submission:

PreventionGenetics, part of Exact Sciences
Classification: Likely benign for GRIN2B-related condition. Last evaluated: 2024-12-09. Review status: criteria provided, single submitter. Criteria: ACMG Guidelines, 2015. Collection method: clinical testing. Allele origin: germline.
Comment: This variant is classified as likely benign based on ACMG/AMP sequence variant interpretation guidelines (Richards et al. 2015 PMID: 25741868, with internal and published modifications).

NM_000834.5(GRIN2B):c.1125+8A>C

Gene: GRIN2B (glutamate ionotropic receptor NMDA type subunit 2B; minus strand). Cytogenetic location: 12p13.1.
Variant type: single nucleotide variant.
Coding change: c.1125+8A>C on transcript NM_000834.5 (MANE Select); 8 bases into the intron after coding-DNA position 1125, A replaced by C.
Molecular consequence: intron variant.
Genome position (GRCh38, 1-based): chr12:13,675,737, T>G on the plus strand (A>C on the coding strand, the complement: GRIN2B is on the minus strand). VCF-style: chr12-13675737-T-G. GRCh37 (hg19) VCF-style: chr12-13828671-T-G.
Other names: c.1125+8A>C (NM_001413992.1).
Identifiers: ClinVar variation 5002583 (VCV005002583.1).